The following is an entry in ClinVar:

GRCh37/hg19 18p11.21(chr18:13184795-13571334)x3

Gene: LDLRAD4 (low density lipoprotein receptor class A domain containing 4; plus strand). Cytogenetic location: 18p11.21.
Variant type: copy number gain.
Change: copy number 3 (three copies instead of two) of chr18:13,184,795-13,571,334 (386.5 kb, GRCh37 coordinates, 1-based), cytogenetic band 18p11.21.
Identifiers: ClinVar variation 929361 (VCV000929361.2).

ClinVar aggregate classification (germline): Uncertain significance (1 of 4 stars; one submission).

Submission:

Clinical Genomics Laboratory, Laboratory for Precision Diagnostics, University of Washington
Classification: Uncertain significance. Last evaluated: 2019-12-17. Review status: criteria provided, single submitter. Criteria: Clinical Cytogenomics Laboratory Policy on CNV Interpretation. Collection method: clinical testing. Allele origin: unknown. Affected: yes. Observed: 1 variant allele.